The following is an entry in ClinVar:

NM_000289.6(PFKM):c.237+201G>A

Gene: PFKM (phosphofructokinase, muscle; plus strand). Cytogenetic location: 12q13.11.
Variant type: single nucleotide variant.
Coding change: c.237+201G>A on transcript NM_000289.6 (MANE Select); 201 bases into the intron after coding-DNA position 237, G replaced by A.
Molecular consequence: intron variant.
Genome position (GRCh38, 1-based): chr12:48,131,594, G>A. VCF-style: chr12-48131594-G-A. GRCh37 (hg19) VCF-style: chr12-48525377-G-A.
Other names: c.261+201G>A (NM_001354741.2); c.237+201G>A (NM_001354742.2, NM_001354743.2, NM_001354744.2 and 4 more transcripts); c.87+201G>A (NM_001354747.2, NM_001354748.2); c.450+201G>A (NM_001166686.2, NM_001354737.1, NM_001354739.1 and 1 more transcripts); c.546+201G>A (NM_001354736.1, NM_001354735.1); c.381+201G>A (NM_001354740.1); c.150+201G>A (NM_001354745.2).
Identifiers: ClinVar variation 667827 (VCV000667827.2), dbSNP rs79426695, ClinGen allele CA236509172.

ClinVar aggregate classification (germline): Benign. Review status: criteria provided, multiple submitters, no conflicts (2 of 4 stars). 2 submissions from 2 submitters: Benign (2). Last evaluated 2018-06-19.

Allele frequency attached by ClinVar (database versions not stated): 1000 Genomes Project 0.02736; 1000 Genomes Project 30x 0.02795; TOPMed 0.05318; gnomAD 0.06011 and 0.06192; gnomAD exomes 0.06779.
gnomAD v4.1: 41,523 of 631,776 alleles (6.6%); highest among the groups gnomAD compares: Non-Finnish European, 9.2%; 1,795 homozygotes.

Submissions (2):

GeneDx
Classification: Benign. Last evaluated: 2018-06-19. Review status: criteria provided, single submitter. Criteria: GeneDx Variant Classification (06012015). Collection method: clinical testing. Allele origin: germline. Affected: yes.
Comment: This variant is considered likely benign or benign based on one or more of the following criteria: it is a conservative change, it occurs at a poorly conserved position in the protein, it is predicted to be benign by multiple in silico algorithms, and/or has population frequency not consistent with disease.

Breakthrough Genomics
Classification: Benign. Review status: criteria provided, single submitter. Criteria: ACMG Guidelines, 2015. Collection method: not provided. Allele origin: germline. Inheritance: Autosomal recessive inheritance. Affected: yes.